The following is an entry in ClinVar:

ClinVar aggregate classification (germline): Likely pathogenic (1 of 4 stars; one submission).

Submission:

Athena Diagnostics
Classification: Likely pathogenic. Last evaluated: 2018-09-21. Review status: criteria provided, single submitter. Criteria: Athena Diagnostics Criteria. Collection method: clinical testing. Allele origin: germline.
Comment: Not found in the total gnomAD dataset, and the data is high quality (0/276546 chr). Predicted to have a damaging effect on the protein. Located in potentially critical domain of the protein. Moderate co-segregation with disease. However, available data are from a single family.

NM_014946.4(SPAST):c.1386A>C (p.Lys462Asn)

Gene: SPAST (spastin; plus strand). Cytogenetic location: 2p22.3.
Variant type: single nucleotide variant.
Coding change: c.1386A>C on transcript NM_014946.4 (MANE Select); coding-DNA position 1386, A replaced by C.
Protein change: p.Lys462Asn; replaces lysine 462 with asparagine.
Molecular consequence: missense variant.
Genome position (GRCh38, 1-based): chr2:32,136,941, A>C. VCF-style: chr2-32136941-A-C. GRCh37 (hg19) VCF-style: chr2-32362010-A-C.
Other names: c.1383A>C, p.Lys461Asn (NM_001363823.2); c.1287A>C, p.Lys429Asn (NM_001363875.2); c.1290A>C, p.Lys430Asn (NM_001377959.1, NM_199436.2); short protein forms K430N, K461N, K429N, K462N.
Identifiers: ClinVar variation 805508 (VCV000805508.1), dbSNP rs1573156433, ClinGen allele CA346502304.
Genomic context (GRCh38, chr2:32,136,941, plus strand): 5'-AGTTGATAGCCTTTTGTGTGAAAGAAGAGAAGGGGAGCACGATGCTAGTAGACGCCTAAA[A>C]ACTGAATTTCTAATAGAATTTGATGGTGTAAGTGTTGATTATGATATTTTTAATGTGGCA-3'
Protein context (NP_055761.2, residues 452-472): EGEHDASRRL[Lys462Asn]TEFLIEFDGV